The following is an entry in ClinVar:

NM_020987.5(ANK3):c.7619C>G (p.Thr2540Arg)

Gene: ANK3 (ankyrin 3; minus strand). Cytogenetic location: 10q21.2.
Variant type: single nucleotide variant.
Coding change: c.7619C>G on transcript NM_020987.5 (MANE Select); coding-DNA position 7619, C replaced by G.
Protein change: p.Thr2540Arg; replaces threonine 2540 with arginine.
Molecular consequence: missense variant. On other transcripts: intron variant (4).
Genome position (GRCh38, 1-based): chr10:60,073,262, G>C on the plus strand (C>G on the coding strand, the complement: ANK3 is on the minus strand). VCF-style: chr10-60073262-G-C. GRCh37 (hg19) VCF-style: chr10-61833020-G-C.
Other names: c.4388-5253C>G (NM_001204403.2); c.4409-5253C>G (NM_001204404.2); c.4406-5253C>G (NM_001320874.2); c.1808-5253C>G (NM_001149.4); short protein forms T2540R.
Identifiers: ClinVar variation 3764203 (VCV003764203.1).
Genomic context (GRCh38, chr10:60,073,262, plus strand): 5'-GTAAAGCGCATCCACATGGCATGTTTTGGACTACTAACATTGCCAGAATAGTGCAACACT[G>C]TCACTTTATCAAAATGCTCATCTTTAGACACTTTACCTACACCATTTTCAGAAACATCTT-3'
Protein context (NP_066267.2, residues 2530-2550): VSKDEHFDKV[Thr2540Arg]VLHYSGNVSS

ClinVar aggregate classification (germline): Uncertain significance (1 of 4 stars; one submission).

gnomAD v4.1: 2 of 1,614,108 alleles (0.00012%); highest among the groups gnomAD compares: Admixed American, 0.0033%; no homozygotes.

Submission:

GeneDx
Classification: Uncertain significance. Last evaluated: 2024-08-24. Review status: criteria provided, single submitter. Criteria: GeneDx Variant Classification Process June 2021. Collection method: clinical testing. Allele origin: germline. Affected: yes.
Comment: In silico analysis supports that this missense variant does not alter protein structure/function; Has not been previously published as pathogenic or benign to our knowledge